The following is an entry in ClinVar:

NM_020719.3(PRR12):c.4787C>T (p.Thr1596Met)

Gene: PRR12 (proline rich 12; plus strand). Cytogenetic location: 19q13.33.
Variant type: single nucleotide variant.
Coding change: c.4787C>T on transcript NM_020719.3 (MANE Select); coding-DNA position 4787, C replaced by T.
Protein change: p.Thr1596Met; replaces threonine 1596 with methionine.
Molecular consequence: missense variant.
Genome position (GRCh38, 1-based): chr19:49,614,546, C>T. VCF-style: chr19-49614546-C-T. GRCh37 (hg19) VCF-style: chr19-50117803-C-T.
Other names: short protein forms T1596M.
Identifiers: ClinVar variation 1328159 (VCV001328159.4), dbSNP rs1205133526, ClinGen allele CA406834843.
Genomic context (GRCh38, chr19:49,614,546, plus strand): 5'-GGAATGAGGGCTGACCCTGCTGGCCTCACCACACCCCTCCTCCTCAGCTGGCGTTGCAGA[C>T]GGGGCGTGAACCCCCACCCATCTGGCGAGTCCAGAAGGCCCTTCTGCAGAAATTCACTCC-3'
Protein context (NP_065770.1, residues 1586-1606): DIPSLKLALQ[Thr1596Met]GREPPPIWRV

ClinVar aggregate classification (germline): Uncertain significance (1 of 4 stars; one submission).

Conditions:
Neuroocular syndrome. Identifiers: MedGen C5551362, MONDO:0859193.

Allele frequency attached by ClinVar (database versions not stated): gnomAD exomes below 0.00001.
gnomAD v4.1: 3 of 1,550,224 alleles (0.00019%); highest among the groups gnomAD compares: Non-Finnish European, 0.00026%; no homozygotes.

Submission:

Illumina Laboratory Services, Illumina
Classification: Uncertain significance for Neuroocular syndrome. Last evaluated: 2021-11-05. Review status: criteria provided, single submitter. Criteria: ICSLVariantClassificationCriteria RUGD 01 April 2020. Collection method: clinical testing. Allele origin: unknown.
Comment: The PRR12 c.4787C>T (p.Thr1596Met) variant is a missense variant. A literature search was performed for the gene, cDNA change, and amino acid change. No publications were found based on this search. This variant is not found in the Genome Aggregation Database in a region of good sequence coverage, so the variant is presumed to be rare. Based on the limited evidence, the p.Thr1596Met variant is classified as a variant of uncertain significance for neuroocular syndrome.